The following is an entry in ClinVar:

NM_058216.3(RAD51C):c.602T>C (p.Leu201Pro)

Genes: RAD51C (RAD51 paralog C; plus strand), LOC129390903 (MPRA-validated peak2919 silencer; plus strand). Cytogenetic location: 17q22.
Variant type: single nucleotide variant.
Coding change: c.602T>C on transcript NM_058216.3 (MANE Select); coding-DNA position 602, T replaced by C.
Protein change: p.Leu201Pro; replaces leucine 201 with proline.
Molecular consequence: missense variant. On other transcripts: non-coding transcript variant (1).
Genome position (GRCh38, 1-based): chr17:58,703,226, T>C. VCF-style: chr17-58703226-T-C. GRCh37 (hg19) VCF-style: chr17-56780587-T-C.
Other names: short protein forms L201P.
Identifiers: ClinVar variation 136161 (VCV000136161.19), dbSNP rs587780839, ClinGen allele CA333009.

ClinVar aggregate classification (germline): Conflicting classifications of pathogenicity. Review status: criteria provided, conflicting classifications (1 of 4 stars). 5 submissions from 5 submitters: Uncertain significance (4); Likely benign (1). Last evaluated 2025-09-25.

Conditions:
Hereditary cancer-predisposing syndrome. Also called: Tumor predisposition; Hereditary neoplastic syndrome; Neoplastic Syndromes, Hereditary; Hereditary Cancer Syndrome. Identifiers: Orphanet 140162, MedGen C0027672, MeSH D009386, MONDO:0015356.
Breast-ovarian cancer, familial, susceptibility to, 3. Also called: RAD51C-Related Breast/Ovarian Cancer. Identifiers: Orphanet 145, MedGen C3150659, MONDO:0013253, OMIM 613399.
Fanconi anemia complementation group O. Also called: RAD51C-Related Fanconi Anemia. Identifiers: Orphanet 84, MedGen C3150653, MONDO:0013248, OMIM 613390.

Allele frequency attached by ClinVar (database versions not stated): TOPMed below 0.00001.
gnomAD v4.1: 1 of 1,610,436 alleles (0.000062%); highest among the groups gnomAD compares: East Asian, 0.0022%; no homozygotes.

Submissions (5):

Ambry Genetics
Classification: Likely benign for Hereditary cancer-predisposing syndrome. Last evaluated: 2025-09-25. Review status: criteria provided, single submitter. Criteria: Ambry Variant Classification Scheme 2023. Collection method: clinical testing. Allele origin: germline.

Women's Health and Genetics/Laboratory Corporation of America, LabCorp
Classification: Uncertain significance. Last evaluated: 2024-12-19. Review status: criteria provided, single submitter. Criteria: LabCorp Variant Classification Summary - May 2015. Collection method: clinical testing. Allele origin: germline.
Comment: Variant summary: RAD51C c.602T>C (p.Leu201Pro) results in a non-conservative amino acid change in the encoded protein sequence. Three of five in-silico tools predict a benign effect of the variant on protein function. The variant was absent in 251262 control chromosomes (gnomAD). The available data on variant occurrences in the general population are insufficient to allow any conclusion about variant significance. To our knowledge, no occurrence of c.602T>C in individuals affected with Fanconi Anemia Complementation Group O has been reported. At least one publication reports experimental evidence evaluating an impact on protein function (Hu_2023). These results showed no damaging effect of this variant in an HDR assay. The following publication has been ascertained in the context of this evaluation (PMID: 37253112). ClinVar contains an entry for this variant (Variation ID: 136161). Based on the evidence outlined above, the variant was classified as uncertain significance.

Labcorp Genetics (formerly Invitae), Labcorp
Classification: Uncertain significance for Fanconi anemia complementation group O. Last evaluated: 2024-05-07. Review status: criteria provided, single submitter. Criteria: Invitae Variant Classification Sherloc (09022015). Collection method: clinical testing. Allele origin: germline.
Comment: This sequence change replaces leucine, which is neutral and non-polar, with proline, which is neutral and non-polar, at codon 201 of the RAD51C protein (p.Leu201Pro). This variant is not present in population databases (gnomAD no frequency). This variant has not been reported in the literature in individuals affected with RAD51C-related conditions. ClinVar contains an entry for this variant (Variation ID: 136161). Advanced modeling of protein sequence and biophysical properties (such as structural, functional, and spatial information, amino acid conservation, physicochemical variation, residue mobility, and thermodynamic stability) performed at Invitae indicates that this missense variant is not expected to disrupt RAD51C protein function with a negative predictive value of 80%. In summary, the available evidence is currently insufficient to determine the role of this variant in disease. Therefore, it has been classified as a Variant of Uncertain Significance.

Baylor Genetics
Classification: Uncertain significance for Breast-ovarian cancer, familial, susceptibility to, 3. Last evaluated: 2024-03-21. Review status: criteria provided, single submitter. Criteria: ACMG Guidelines, 2015. Collection method: clinical testing. Allele origin: unknown.

Color Diagnostics, LLC DBA Color Health
Classification: Uncertain significance for Hereditary cancer-predisposing syndrome. Last evaluated: 2019-03-29. Review status: criteria provided, single submitter. Criteria: ACMG Guidelines, 2015. Collection method: clinical testing. Allele origin: germline.

Literature cited by the submitters: PubMed 37253112 (cited by Ambry Genetics and Women's Health and Genetics/Laboratory Corporation of America, LabCorp).